The following is an entry in ClinVar:

ClinVar aggregate classification (germline): Pathogenic (1 of 4 stars; one submission).

Conditions:
Inborn genetic diseases. Identifiers: MedGen C0950123, MeSH D030342.

gnomAD v4.1: 2 of 1,503,606 alleles (0.00013%); highest among the groups gnomAD compares: Non-Finnish European, 0.00018%; no homozygotes.

Submission:

Ambry Genetics
Classification: Pathogenic for Inborn genetic diseases. Last evaluated: 2025-05-16. Review status: criteria provided, single submitter. Criteria: Ambry Variant Classification Scheme 2023. Collection method: clinical testing. Allele origin: germline.
Comment: The c.928C>T (p.Q310*) alteration, located in exon 5 (coding exon 5) of the CHD3 gene, consists of a C to T substitution at nucleotide position 928. This changes the amino acid from a glutamine (Q) to a stop codon at amino acid position 310. This alteration is expected to result in loss of function by premature protein truncation or nonsense-mediated mRNA decay. This variant was not reported in population-based cohorts in the Genome Aggregation Database (gnomAD). Based on the available evidence, this alteration is classified as pathogenic.

NM_001005273.3(CHD3):c.751C>T (p.Gln251Ter)

Gene: CHD3 (chromodomain helicase DNA binding protein 3; plus strand). Cytogenetic location: 17p13.1.
Variant type: single nucleotide variant.
Coding change: c.751C>T on transcript NM_001005273.3 (MANE Select); coding-DNA position 751, C replaced by T.
Protein change: p.Gln251Ter; replaces glutamine 251 with a stop codon.
Molecular consequence: nonsense.
Genome position (GRCh38, 1-based): chr17:7,893,527, C>T. VCF-style: chr17-7893527-C-T. GRCh37 (hg19) VCF-style: chr17-7796845-C-T.
Other names: c.928C>T, p.Gln310Ter (NM_001005271.3); c.751C>T, p.Gln251Ter (NM_005852.4); short protein forms Q310*, Q251*.
Identifiers: ClinVar variation 4002108 (VCV004002108.1).